The following continues an entry in ClinVar:

NM_020975.6(RET):c.2556C>G (p.Ile852Met)

Gene: RET. ClinVar aggregate classification (germline): Conflicting classifications of pathogenicity. Uncertain significance (16); Likely benign (2).

Submission 20 of 20:

Department of Pathology and Laboratory Medicine, Sinai Health System
Classification: Uncertain significance. Review status: no assertion criteria provided. Collection method: clinical testing. Allele origin: unknown. Affected: yes. Study: The Canadian Open Genetics Repository (COGR). Not counted in ClinVar's aggregate classification.
Comment: The RET p.I852M variant was identified in multiple individuals with multiple endocrine neoplasia type 2, an individual with pituitary adenoma, an individual with breast cancer and two individuals with medullary thyroid cancer (Joshi_2016_PMID: 26876062; Machens_2011_PMID: 21711375; Guerrero-PâˆšÂ©rez_2019_PMID: 31431315; Mathiesen_2017_PMID: 27809725; Rich_2019_PMID: 31300450; Demeester _2001_PMID: 11295841; Castinetti _2014_PMID: 24745698). The p.I852M variant was found to segregate with disease in a father and two sons with multiple endocrine neoplasia type 2, however all three affected individuals also carried the RET p.C634Y variant known to be pathogenic (Joshi_2016_PMID: 26876062). In a separate family, this variant was not shown to segregate with medullary thyroid cancer (Machens_2011_PMID: 21711375). The variant was identified in dbSNP (ID: rs377767426) and in ClinVar (classified as uncertain significance by Invitae, Ambry Genetics and three other laboratories). The variant was identified in control databases in 49 of 282156 chromosomes at a frequency of 0.0001737 (Genome Aggregation Database March 6, 2019, v2.1.1). The p.I852 residue is conserved in mammals and computational analyses (MUT Assesor, PolyPhen-2, SIFT, MutationTaster, Revel, FATHMM, MetaLR, DANN) suggest that the variant may impact the protein; however this information is not predictive enough to assume pathogenicity. In vitro functional studies have demonstrated that this variant increases protein activation and phosphorylation activity compared to wildtype (Machens_2011_PMID: 21711375). The variant occurs outside of the splicing consensus sequence and in silico or computational prediction software programs (Splice AI exome) do not predict a deleterious effect on splicing. In summary, based on the above information the clinical significance of this variant cannot be determined with certainty at this time. This variant is classified as a variant of uncertain significance.

Literature cited by the submitters: PubMed 11295841 (cited by 6 submitters); PubMed 21711375 (cited by 7 submitters); PubMed 24745698 (cited by 5 submitters); PubMed 26556299 (cited by 5 submitters); PubMed 26876062 (cited by 6 submitters); PubMed 27525386 (cited by 6 submitters); PubMed 28578594 (cited by 5 submitters); PubMed 36451132 (cited by Center for Genomic Medicine, Rigshospitalet, Copenhagen University Hospital); PubMed 29625052 (cited by Center for Genomic Medicine, Rigshospitalet, Copenhagen University Hospital); PubMed 27809725 (cited by All of Us Research Program, National Institutes of Health and Color Diagnostics, LLC DBA Color Health); PubMed 31431315 (cited by 3 submitters); PubMed 21479187 (cited by Ambry Genetics and Counsyl); PubMed 23527089 (cited by Ambry Genetics); PubMed 31019283 (cited by Ambry Genetics).